The following is an entry in ClinVar:

ClinVar aggregate classification (germline): Likely benign. Review status: criteria provided, multiple submitters, no conflicts (2 of 4 stars). 3 submissions from 3 submitters: Likely benign (2). 1 of the submissions does not count toward it. Last evaluated 2026-01-18.

Conditions:
LONP1-related disorder. Also called: LONP1-related condition; LONP1-related disorders.

Allele frequency attached by ClinVar (database versions not stated): ExAC 0.00007; gnomAD 0.00009 and 0.00011; gnomAD exomes 0.00009; TOPMed 0.00010; ESP Exome Variant Server 0.00015; 1000 Genomes Project 30x 0.00031; 1000 Genomes Project 0.00040.
gnomAD v4.1: 112 of 1,614,118 alleles (0.0069%); highest among the groups gnomAD compares: Middle Eastern, 0.016%; no homozygotes.

Submissions (3):

Labcorp Genetics (formerly Invitae), Labcorp
Classification: Likely benign. Last evaluated: 2026-01-18. Review status: criteria provided, single submitter. Criteria: Invitae Variant Classification Sherloc (09022015). Collection method: clinical testing. Allele origin: germline.

CeGaT Center for Human Genetics Tuebingen
Classification: Likely benign. Last evaluated: 2025-01-01. Review status: criteria provided, single submitter. Criteria: CeGaT Center For Human Genetics Tuebingen Variant Classification Criteria Version 2. Collection method: clinical testing. Allele origin: germline. Affected: yes. Observed: 1 variant allele.
Comment: LONP1: BP4, BP7

PreventionGenetics, part of Exact Sciences
Classification: Likely benign for LONP1-related condition. Last evaluated: 2021-06-18. Review status: no assertion criteria provided. Collection method: clinical testing. Allele origin: germline. Not counted in ClinVar's aggregate classification.
Comment: This variant is classified as likely benign based on ACMG/AMP sequence variant interpretation guidelines (Richards et al. 2015 PMID: 25741868, with internal and published modifications).

NM_004793.4(LONP1):c.2460C>T (p.Phe820=)

Gene: LONP1 (lon peptidase 1, mitochondrial; minus strand). Cytogenetic location: 19p13.3.
Variant type: single nucleotide variant.
Coding change: c.2460C>T on transcript NM_004793.4 (MANE Select); coding-DNA position 2460, C replaced by T.
Protein change: p.Phe820=; no amino-acid change (phenylalanine 820 retained).
Molecular consequence: synonymous variant. On other transcripts: non-coding transcript variant (1).
Genome position (GRCh38, 1-based): chr19:5,693,630, G>A on the plus strand (C>T on the coding strand, the complement: LONP1 is on the minus strand). VCF-style: chr19-5693630-G-A. GRCh37 (hg19) VCF-style: chr19-5693641-G-A.
Other names: c.2268C>T, p.Phe756= (NM_001276479.2); c.1872C>T, p.Phe624= (NM_001276480.1).
Identifiers: ClinVar variation 741291 (VCV000741291.24), dbSNP rs202186350, ClinGen allele CA9114110.